The following is an entry in ClinVar:

NR_023317.1(RNU7-1):n.52C>T

Genes: C12orf57 (chromosome 12 open reading frame 57; plus strand), RNU7-1 (RNA, U7 small nuclear 1; plus strand). Cytogenetic location: 12p13.31.
Variant type: single nucleotide variant.
Molecular consequence: non-coding transcript variant (on NR_023317.1). On other transcripts: intron variant (2).
Genome position: GRCh38 VCF-style: chr12-6943867-C-T. GRCh37 (hg19) VCF-style: chr12-7053030-C-T.
Other names: c.13+205C>T (NM_001301836.2); c.-16+205C>T (NM_001301834.1).
Identifiers: ClinVar variation 1301050 (VCV001301050.6), dbSNP rs149374821, ClinGen allele CA232435382.

ClinVar aggregate classification (germline): Benign/Likely benign. Review status: criteria provided, multiple submitters, no conflicts (2 of 4 stars). 3 submissions from 3 submitters: Benign (1); Likely benign (2). Last evaluated 2026-01-22.

Allele frequency attached by ClinVar (database versions not stated): 1000 Genomes Project 30x 0.01031; 1000 Genomes Project 0.01038.
gnomAD v4.1: 17,018 of 939,128 alleles (1.8%); highest among the groups gnomAD compares: Admixed American, 2.3%; 186 homozygotes.

Submissions (3):

Women's Health and Genetics/Laboratory Corporation of America, LabCorp
Classification: Benign. Last evaluated: 2026-01-22. Review status: criteria provided, single submitter. Criteria: LabCorp Variant Classification Summary - May 2015. Collection method: clinical testing. Allele origin: germline.
Comment: Variant summary: RNU7-1 n.52C>T alters a nucleotide in the non-coding RNA. The variant allele was found at a frequency of 0.014 in 31400 control chromosomes, predominantly at a frequency of 0.038 within the Ashkenazi Jewish subpopulation in the gnomAD database, including 1 homozygotes. The available data on variant occurrences in the general population are insufficient to allow any conclusion about variant significance. To our knowledge, no occurrence of n.52C>T in individuals affected with RNU7-1-related conditions and no experimental evidence demonstrating its impact on protein function have been reported. ClinVar contains an entry for this variant (Variation ID: 1301050). Based on the evidence outlined above, the variant was classified as benign.

GeneDx
Classification: Likely benign. Last evaluated: 2021-03-29. Review status: criteria provided, single submitter. Criteria: GeneDx Variant Classification Process June 2021. Collection method: clinical testing. Allele origin: germline. Affected: yes.

Breakthrough Genomics
Classification: Likely benign. Review status: criteria provided, single submitter. Criteria: ACMG Guidelines, 2015. Collection method: not provided. Allele origin: germline. Inheritance: Autosomal recessive inheritance. Affected: yes.